The following is an entry in ClinVar:

NM_001379210.1(SLC25A26):c.301G>A (p.Val101Ile)

Gene: SLC25A26 (solute carrier family 25 member 26; plus strand). Cytogenetic location: 3p14.1.
Variant type: single nucleotide variant.
Coding change: c.301G>A on transcript NM_001379210.1 (MANE Select); coding-DNA position 301, G replaced by A.
Protein change: p.Val101Ile; replaces valine 101 with isoleucine.
Molecular consequence: missense variant. On other transcripts: non-coding transcript variant (1).
Genome position (GRCh38, 1-based): chr3:66,262,051, G>A. VCF-style: chr3-66262051-G-A. GRCh37 (hg19) VCF-style: chr3-66312475-G-A.
Other names: c.37G>A, p.Val13Ile (NM_001164796.1, NM_001350993.1); c.301G>A, p.Val101Ile (NM_173471.4); short protein forms V101I, V13I.
Identifiers: ClinVar variation 522130 (VCV000522130.3), dbSNP rs774532404, ClinGen allele CA353546475.

ClinVar aggregate classification (germline): Uncertain significance (1 of 4 stars; one submission).

Conditions:
Inborn genetic diseases. Identifiers: MedGen C0950123, MeSH D030342.

Submission:

Ambry Genetics
Classification: Uncertain significance for Hereditary disease. Last evaluated: 2017-10-12. Review status: criteria provided, single submitter. Criteria: ambry_reporting_categories_2017. Collection method: clinical testing. Allele origin: germline. Affected: yes. Observed: 1 homozygote. Segregation with disease observed.
Comment: Lines of evidence used in support of classification: UNCERTAIN: Alteration(s) of Uncertain Clinical Significance Detected

Literature cited by the submitters: PubMed 26522469.